The following is an entry in ClinVar:

NM_000088.4(COL1A1):c.1414C>T (p.Arg472Ter)

Gene: COL1A1 (collagen type I alpha 1 chain; minus strand). Cytogenetic location: 17q21.33.
Variant type: single nucleotide variant.
Coding change: c.1414C>T on transcript NM_000088.4 (MANE Select); coding-DNA position 1414, C replaced by T.
Protein change: p.Arg472Ter; replaces arginine 472 with a stop codon.
Molecular consequence: nonsense.
Genome position (GRCh38, 1-based): chr17:50,194,768, G>A on the plus strand (C>T on the coding strand, the complement: COL1A1 is on the minus strand). VCF-style: chr17-50194768-G-A. GRCh37 (hg19) VCF-style: chr17-48272129-G-A.
Other names: short protein forms R472*.
Identifiers: ClinVar variation 449400 (VCV000449400.25), dbSNP rs72648343, ClinGen allele CA291545471.

ClinVar aggregate classification (germline): Pathogenic. Review status: criteria provided, multiple submitters, no conflicts (2 of 4 stars). 10 submissions from 10 submitters: Pathogenic (9). 1 of the submissions does not count toward it. Last evaluated 2026-02-23.

Conditions:
COL1A1-related disorder. Also called: COL1A1-related condition; COL1A1- related disease.
Osteogenesis imperfecta type I (OI1). Also called: OI, TYPE I; OSTEOGENESIS IMPERFECTA TARDA; OSTEOGENESIS IMPERFECTA WITH BLUE SCLERAE; Osteogenesis imperfecta type 1; Classic Non-deforming Osteogenesis Imperfecta with Blue Sclerae; Lobstein's Disease. Identifiers: Orphanet 216796, Orphanet 666, MedGen C0023931, MONDO:0008146, OMIM 166200. Disease mechanism: loss of function.
Osteogenesis imperfecta, perinatal lethal (OI2). Also called: OI, TYPE II; OSTEOGENESIS IMPERFECTA CONGENITA; VROLIK TYPE OF OSTEOGENESIS IMPERFECTA; OSTEOGENESIS IMPERFECTA, TYPE II; Osteogenesis imperfecta, dominant perinatal lethal; Osteogenesis imperfecta type 2. Identifiers: Orphanet 216804, MedGen C0268358, MONDO:0008147, OMIM 166210.

Submissions (10):

Dasa
Classification: Pathogenic. Last evaluated: 2026-02-23. Review status: criteria provided, single submitter. Criteria: DASA Assertion Criteria. Collection method: clinical testing. Allele origin: germline.
Comment: NM_000088.4(COL1A1):c.1414C>T (p.Arg472*) introduces a premature termination codon predicted to result in loss of normal protein function. Loss-of-function is an established mechanism of disease for this gene. This variant has been recurrently observed in individuals with related phenotype (PMID: 16786509; PMID: 22753364; PMID: 18311573). The variant is present at low frequency in population datasets. Based on the available data, this variant is classified as pathogenic.

GeneDx
Classification: Pathogenic. Last evaluated: 2025-09-18. Review status: criteria provided, single submitter. Criteria: GeneDx Variant Classification Process June 2021. Collection method: clinical testing. Allele origin: germline. Affected: yes.
Comment: Nonsense variant predicted to result in protein truncation or nonsense mediated decay in a gene for which loss of function is a known mechanism of disease; Not observed at significant frequency in large population cohorts (gnomAD); This variant is associated with the following publications: (PMID: 22753364, 36964972, 38702915, 39316135, 38226081, 16786509, 37079061, 18311573, 28528406, 31427586, 39902996, 36709916, 37270749)

Labcorp Genetics (formerly Invitae), Labcorp
Classification: Pathogenic for Osteogenesis imperfecta type I. Last evaluated: 2025-08-24. Review status: criteria provided, single submitter. Criteria: Invitae Variant Classification Sherloc (09022015). Collection method: clinical testing. Allele origin: germline.
Comment: This sequence change creates a premature translational stop signal (p.Arg472*) in the COL1A1 gene. It is expected to result in an absent or disrupted protein product. Loss-of-function variants in COL1A1 are known to be pathogenic (PMID: 7942841, 9295084, 9443882). This variant is not present in population databases (gnomAD no frequency). This premature translational stop signal has been observed in individuals with osteogenesis imperfecta type 1 (PMID: 16786509, 18311573, 22753364). ClinVar contains an entry for this variant (Variation ID: 449400). For these reasons, this variant has been classified as Pathogenic.

Clinical Biomedical Laboratory, Shriners Hospital For Children - Canada
Classification: Pathogenic for Osteogenesis imperfecta type I. Last evaluated: 2025-05-23. Review status: criteria provided, single submitter. Criteria: ACMG Guidelines, 2015. Collection method: clinical testing. Allele origin: germline. Affected: yes.
Comment: This variant introduces a premature stop codon in exon 21 and is expected to lead to degradation of the affected transcript. Variants introducing premature termination codons lead to degradation of the affected transcript and haploinsufficiency of the alpha 1 chain of collagen type I. COL1A1 haploinsufficiency is a typical cause of OI type I. In the Genome Aggregation Database (gnomAD v2.1.1) this variant is not present. This variant has been reported in the literature (PMID 16786509). We have observed this variant in the Shriners Hospital for Children variant database in five individuals diagnosed with osteogenesis imperfecta.

3billion
Classification: Pathogenic for COL1A1-related disorder. Last evaluated: 2025-04-23. Review status: criteria provided, single submitter. Criteria: ACMG Guidelines, 2015. Collection method: clinical testing. Allele origin: germline. Affected: yes.
Comment: The variant is not observed in the gnomAD v4.1.0 dataset. Predicted Consequence/Location: Stop-gained (nonsense): predicted to result in a loss or disruption of normal protein function through nonsense-mediated decay (NMD) or protein truncation. Multiple pathogenic variants are reported downstream of the variant. The variant has been observed in at least two similarly affected unrelated individuals (PMID: 16786509, 22753364). The variant has been reported at least twice as pathogenic with clinical assertions and evidence for the classification (ClinVar ID: VCV000449400 / PMID: 16786509). Therefore, this variant is classified as Pathogenic according to the recommendation of ACMG/AMP guideline.

Women's Health and Genetics/Laboratory Corporation of America, LabCorp
Classification: Pathogenic for Osteogenesis imperfecta type I. Last evaluated: 2025-04-08. Review status: criteria provided, single submitter. Criteria: LabCorp Variant Classification Summary - May 2015. Collection method: clinical testing. Allele origin: germline.
Comment: Variant summary: COL1A1 c.1414C>T (p.Arg472X) results in a premature termination codon, predicted to cause a truncation of the encoded protein or absence of the protein due to nonsense mediated decay, which are commonly known mechanisms for disease. The frequency data for this variant in gnomAD is considered unreliable, as metrics indicate poor data quality at this position. c.1414C>T has been reported in the literature in individuals affected with Osteogenesis imperfecta type I and syndromic hearing loss (example: Ideura_2019). These data indicate that the variant may be associated with disease. The following publication has been ascertained in the context of this evaluation (PMID: 31427586). ClinVar contains an entry for this variant (Variation ID: 449400). Based on the evidence outlined above, the variant was classified as pathogenic.

Blueprint Genetics
Classification: Pathogenic for COL1A1-related disorders. Last evaluated: 2024-07-31. Review status: criteria provided, single submitter. Criteria: ACMG Guidelines, 2015. Collection method: clinical testing. Allele origin: germline. Affected: yes. Observed: 5 variant alleles.

Division of Genomic Medicine, Department of Advanced Medicine, Medical Research Institute, Kanazawa Medical University
Classification: Pathogenic for Osteogenesis imperfecta type I. Last evaluated: 2023-10-20. Review status: criteria provided, single submitter. Criteria: ACMG Guidelines, 2015. Collection method: clinical testing. Allele origin: germline. Affected: yes. Observed: 1 variant allele.

Juno Genomics, Hangzhou Juno Genomics, Inc
Classification: Pathogenic for Osteogenesis imperfecta type I. Review status: criteria provided, single submitter. Criteria: ACMG Guidelines, 2015. Collection method: clinical testing. Allele origin: germline. Affected: yes.
Comment: Absent from controls (or at extremely low frequency if recessive) in Genome Aggregation Database, Exome Sequencing Project, 1000 Genomes Project, or Exome Aggregation Consortium.;Null variant in a gene where loss of function (LOF) is a known mechanism of disease.;The prevalence of the variant in affected individuals is significantly increased compared to the prevalence in controls.;Patient's phenotype or family history is highly specific for a disease with a single genetic etiology.

Autoinflammatory diseases unit, CHU de Montpellier
Classification: Pathogenic for Osteogenesis imperfecta, perinatal lethal. Last evaluated: 2024-10-01. Review status: no assertion criteria provided. Collection method: clinical testing. Allele origin: de novo. Affected: yes. Not counted in ClinVar's aggregate classification.

Literature cited by the submitters: PubMed 16786509 (cited by 4 submitters); PubMed 22753364 (cited by 3 submitters); PubMed 18311573 (cited by Dasa and Labcorp Genetics (formerly Invitae), Labcorp); PubMed 7942841 (cited by Labcorp Genetics (formerly Invitae), Labcorp); PubMed 9295084 (cited by Labcorp Genetics (formerly Invitae), Labcorp); PubMed 9443882 (cited by Labcorp Genetics (formerly Invitae), Labcorp); PubMed 31427586 (cited by Women's Health and Genetics/Laboratory Corporation of America, LabCorp).